The following is an entry in ClinVar:

ClinVar aggregate classification (germline): Likely benign. Review status: criteria provided, multiple submitters, no conflicts (2 of 4 stars). 2 submissions from 2 submitters: Likely benign (2). Last evaluated 2026-01-18.

Conditions:
Familial cold autoinflammatory syndrome 3 (FCAS3). Also called: FAMILIAL ATYPICAL COLD URTICARIA; ANTIBODY DEFICIENCY AND IMMUNE DYSREGULATION, PLCG2-ASSOCIATED. Identifiers: Orphanet 300359, MedGen C3280914, MONDO:0013766, OMIM 614468.
PLCG2-related disorder. Also called: PLCG2-related condition.

Allele frequency attached by ClinVar (database versions not stated): gnomAD exomes 0.00003 and 0.00006; ExAC 0.00007; 1000 Genomes Project 30x 0.00016; 1000 Genomes Project 0.00020; gnomAD 0.00035 and 0.00036; TOPMed 0.00035; ESP Exome Variant Server 0.00054.
gnomAD v4.1: 93 of 1,611,744 alleles (0.0058%); highest among the groups gnomAD compares: African/African-American, 0.1%; no homozygotes.

Submissions (2):

Labcorp Genetics (formerly Invitae), Labcorp
Classification: Likely benign for Familial cold autoinflammatory syndrome 3. Last evaluated: 2026-01-18. Review status: criteria provided, single submitter. Criteria: Invitae Variant Classification Sherloc (09022015). Collection method: clinical testing. Allele origin: germline.

PreventionGenetics, part of Exact Sciences
Classification: Likely benign for PLCG2-related condition. Last evaluated: 2025-07-18. Review status: criteria provided, single submitter. Criteria: ACMG Guidelines, 2015. Collection method: clinical testing. Allele origin: germline.
Comment: This variant is classified as likely benign based on ACMG/AMP sequence variant interpretation guidelines (Richards et al. 2015 PMID: 25741868, with internal and published modifications).

NM_002661.5(PLCG2):c.1049G>A (p.Arg350His)

Gene: PLCG2 (phospholipase C gamma 2; plus strand). Cytogenetic location: 16q23.3.
Variant type: single nucleotide variant.
Coding change: c.1049G>A on transcript NM_002661.5 (MANE Select); coding-DNA position 1049, G replaced by A.
Protein change: p.Arg350His; replaces arginine 350 with histidine.
Molecular consequence: missense variant.
Genome position (GRCh38, 1-based): chr16:81,893,771, G>A. VCF-style: chr16-81893771-G-A. GRCh37 (hg19) VCF-style: chr16-81927376-G-A.
Other names: short protein forms R350H.
Identifiers: ClinVar variation 741763 (VCV000741763.12), dbSNP rs200824224, ClinGen allele CA8193558.